The following is an entry in ClinVar:

NM_017617.5(NOTCH1):c.3356G>T (p.Gly1119Val)

Gene: NOTCH1 (notch receptor 1; minus strand). Cytogenetic location: 9q34.3.
Variant type: single nucleotide variant.
Coding change: c.3356G>T on transcript NM_017617.5 (MANE Select); coding-DNA position 3356, G replaced by T.
Protein change: p.Gly1119Val; replaces glycine 1119 with valine.
Molecular consequence: missense variant.
Genome position (GRCh38, 1-based): chr9:136,508,109, C>A on the plus strand (G>T on the coding strand, the complement: NOTCH1 is on the minus strand). VCF-style: chr9-136508109-C-A. GRCh37 (hg19) VCF-style: chr9-139402561-C-A.
Other names: c.3356G>T (NM_017617.3); short protein forms G1119V.
Identifiers: ClinVar variation 2963933 (VCV002963933.5), dbSNP rs765929402, ClinGen allele CA5340946.

ClinVar aggregate classification (germline): Uncertain significance. Review status: criteria provided, multiple submitters, no conflicts (2 of 4 stars). 3 submissions from 3 submitters: Uncertain significance (3). Last evaluated 2025-04-02.

Conditions:
Adams-Oliver syndrome 5 (AOS5). Identifiers: Orphanet 974, MedGen C4014970, MONDO:0014459, OMIM 616028.
Familial thoracic aortic aneurysm and aortic dissection (TAAD). Also called: Thoracic aortic aneurysms and dissections. Identifiers: Orphanet 91387, MedGen C4707243, MONDO:0019625.

gnomAD v4.1: 8 of 1,608,956 alleles (0.0005%); highest among the groups gnomAD compares: Non-Finnish European, 0.00068%; no homozygotes.

Submissions (3):

Ambry Genetics
Classification: Uncertain significance for Familial thoracic aortic aneurysm and aortic dissection. Last evaluated: 2025-04-02. Review status: criteria provided, single submitter. Criteria: Ambry Variant Classification Scheme 2023. Collection method: clinical testing. Allele origin: germline.
Comment: The p.G1119V variant (also known as c.3356G>T), located in coding exon 21 of the NOTCH1 gene, results from a G to T substitution at nucleotide position 3356. The glycine at codon 1119 is replaced by valine, an amino acid with dissimilar properties. This amino acid position is conserved. In addition, the in silico prediction for this alteration is inconclusive. Based on the available evidence, the clinical significance of this variant remains unclear.

Labcorp Genetics (formerly Invitae), Labcorp
Classification: Uncertain significance for Adams-Oliver syndrome 5. Last evaluated: 2025-03-27. Review status: criteria provided, single submitter. Criteria: Invitae Variant Classification Sherloc (09022015). Collection method: clinical testing. Allele origin: germline.
Comment: This sequence change replaces glycine, which is neutral and non-polar, with valine, which is neutral and non-polar, at codon 1119 of the NOTCH1 protein (p.Gly1119Val). This variant is present in population databases (rs765929402, gnomAD 0.002%). This variant has not been reported in the literature in individuals affected with NOTCH1-related conditions. ClinVar contains an entry for this variant (Variation ID: 2963933). Invitae Evidence Modeling of protein sequence and biophysical properties (such as structural, functional, and spatial information, amino acid conservation, physicochemical variation, residue mobility, and thermodynamic stability) indicates that this missense variant is not expected to disrupt NOTCH1 protein function with a negative predictive value of 80%. In summary, the available evidence is currently insufficient to determine the role of this variant in disease. Therefore, it has been classified as a Variant of Uncertain Significance.

GeneDx
Classification: Uncertain significance. Last evaluated: 2024-04-24. Review status: criteria provided, single submitter. Criteria: GeneDx Variant Classification Process June 2021. Collection method: clinical testing. Allele origin: germline. Affected: yes.
Comment: Not observed at significant frequency in large population cohorts (gnomAD); In silico analysis supports that this missense variant has a deleterious effect on protein structure/function; Has not been previously published as pathogenic or benign to our knowledge; In silico analysis suggests this variant may impact gene splicing. In the absence of RNA/functional studies, the actual effect of this sequence change is unknown.